The following is an entry in ClinVar:

ClinVar aggregate classification (germline): Conflicting classifications of pathogenicity. Review status: criteria provided, conflicting classifications (1 of 4 stars). 2 submissions from 2 submitters: Uncertain significance (1); Likely benign (1). Last evaluated 2020-04-01.

Conditions:
Koolen-de Vries syndrome (KDVS). Identifiers: Orphanet 96169, MedGen C1864871, MONDO:0012496, OMIM 610443.

Allele frequency attached by ClinVar (database versions not stated): gnomAD exomes below 0.00001.
gnomAD v4.1: 1 of 1,613,600 alleles (0.000062%); highest among the groups gnomAD compares: Non-Finnish European, 0.000085%; no homozygotes.

Submissions (2):

Labcorp Genetics (formerly Invitae), Labcorp
Classification: Uncertain significance for Koolen-de Vries syndrome. Last evaluated: 2020-04-01. Review status: criteria provided, single submitter. Criteria: Invitae Variant Classification Sherloc (09022015). Collection method: clinical testing. Allele origin: germline.
Comment: This sequence change replaces threonine with serine at codon 206 of the KANSL1 protein (p.Thr206Ser). The threonine residue is highly conserved and there is a small physicochemical difference between threonine and serine. This variant is not present in population databases (ExAC no frequency). This variant has not been reported in the literature in individuals with KANSL1-related conditions. ClinVar contains an entry for this variant (Variation ID: 379269). Algorithms developed to predict the effect of missense changes on protein structure and function are either unavailable or do not agree on the potential impact of this missense change (SIFT: "Tolerated"; PolyPhen-2: "Possibly Damaging"; Align-GVGD: "Class C0"). In summary, the available evidence is currently insufficient to determine the role of this variant in disease. Therefore, it has been classified as a Variant of Uncertain Significance.

GeneDx
Classification: Likely benign. Last evaluated: 2015-03-18. Review status: criteria provided, single submitter. Criteria: GeneDx Variant Classification (06012015). Collection method: clinical testing. Allele origin: germline. Affected: yes.
Comment: This variant is considered likely benign or benign based on one or more of the following criteria: it is a conservative change, it occurs at a poorly conserved position in the protein, it is predicted to be benign by multiple in silico algorithms, and/or has population frequency not consistent with disease.

NM_015443.4(KANSL1):c.617C>G (p.Thr206Ser)

Gene: KANSL1 (KAT8 regulatory NSL complex subunit 1). Cytogenetic location: 17q21.31.
Variant type: single nucleotide variant.
Coding change: c.617C>G on transcript NM_015443.4 (MANE Select); coding-DNA position 617, C replaced by G.
Protein change: p.Thr206Ser; replaces threonine 206 with serine.
Molecular consequence: missense variant.
Genome position (GRCh38, 1-based): chr17:46,171,527, G>C on the plus strand (C>G on the coding strand, the complement: KANSL1 is on the minus strand). VCF-style: chr17-46171527-G-C. GRCh37 (hg19) VCF-style: chr17-44248893-G-C.
Other names: c.617C>G, p.Thr206Ser (NM_001193465.2, NM_001193466.2, NM_001379198.1); short protein forms T206S.
Identifiers: ClinVar variation 379269 (VCV000379269.9), dbSNP rs761141661, ClinGen allele CA16607323.